The following is an entry in ClinVar:

ClinVar aggregate classification (germline): Likely benign. Review status: criteria provided, multiple submitters, no conflicts (2 of 4 stars). 3 submissions from 3 submitters: Likely benign (3). Last evaluated 2026-06-01.

Conditions:
Rahman syndrome. Also called: HIST1H1E Syndrome. Identifiers: Orphanet 642763, MedGen C4479637, MONDO:0044323, OMIM 617537.

Allele frequency attached by ClinVar (database versions not stated): TOPMed 0.00005; gnomAD 0.00009; ExAC 0.00012; 1000 Genomes Project 0.00020; 1000 Genomes Project 30x 0.00031.
gnomAD v4.1: 83 of 1,612,410 alleles (0.0051%); highest among the groups gnomAD compares: Middle Eastern, 0.039%; no homozygotes.

Submissions (3):

CeGaT Center for Human Genetics Tuebingen
Classification: Likely benign. Last evaluated: 2026-06-01. Review status: criteria provided, single submitter. Criteria: CeGaT Center For Human Genetics Tuebingen Variant Classification Criteria Version 2. Collection method: clinical testing. Allele origin: germline. Affected: yes. Observed: 1 variant allele.
Comment: H1-4: BP4, BS2

Revvity Omics, Revvity
Classification: Likely benign for Rahman syndrome. Last evaluated: 2023-11-21. Review status: criteria provided, single submitter. Criteria: ACMG Guidelines, 2015. Collection method: clinical testing. Allele origin: germline.

Ambry Genetics
Classification: Likely benign. Last evaluated: 2021-05-19. Review status: criteria provided, single submitter. Criteria: Ambry Variant Classification Scheme 2023. Collection method: clinical testing. Allele origin: germline.

NM_005321.3(H1-4):c.548A>G (p.Lys183Arg)

Gene: H1-4 (H1.4 linker histone, cluster member; plus strand). Cytogenetic location: 6p22.2.
Variant type: single nucleotide variant.
Coding change: c.548A>G on transcript NM_005321.3 (MANE Select); coding-DNA position 548, A replaced by G.
Protein change: p.Lys183Arg; replaces lysine 183 with arginine.
Molecular consequence: missense variant.
Genome position (GRCh38, 1-based): chr6:26,156,938, A>G. VCF-style: chr6-26156938-A-G. GRCh37 (hg19) VCF-style: chr6-26157166-A-G.
Other names: short protein forms K183R.
Identifiers: ClinVar variation 2690479 (VCV002690479.5), dbSNP rs577879962, ClinGen allele CA3668201.